The following is an entry in ClinVar:

NM_173354.5(SIK1):c.38G>A (p.Gly13Asp)

Gene: SIK1 (salt inducible kinase 1; minus strand). Cytogenetic location: 21q22.3.
Variant type: single nucleotide variant.
Coding change: c.38G>A on transcript NM_173354.5 (MANE Select); coding-DNA position 38, G replaced by A.
Protein change: p.Gly13Asp; replaces glycine 13 with aspartic acid.
Molecular consequence: missense variant.
Genome position (GRCh38, 1-based): chr21:43,426,141, C>T on the plus strand (G>A on the coding strand, the complement: SIK1 is on the minus strand). VCF-style: chr21-43426141-C-T. GRCh37 (hg19) VCF-style: chr21-44846021-C-T.
Other names: short protein forms G13D.
Identifiers: ClinVar variation 2090176 (VCV002090176.4), dbSNP rs2516969215, ClinGen allele CA410611145.

ClinVar aggregate classification (germline): Uncertain significance (1 of 4 stars; one submission).

Conditions:
Developmental and epileptic encephalopathy, 30 (DEE30). Also called: Epileptic encephalopathy, early infantile, 30. Identifiers: MedGen C4225360, MONDO:0014595, OMIM 616341.

Submission:

Labcorp Genetics (formerly Invitae), Labcorp
Classification: Uncertain significance for Developmental and epileptic encephalopathy, 30. Last evaluated: 2024-02-26. Review status: criteria provided, single submitter. Criteria: Invitae Variant Classification Sherloc (09022015). Collection method: clinical testing. Allele origin: germline.
Comment: This sequence change replaces glycine, which is neutral and non-polar, with aspartic acid, which is acidic and polar, at codon 13 of the SIK1 protein (p.Gly13Asp). This variant is not present in population databases (gnomAD no frequency). This variant has not been reported in the literature in individuals affected with SIK1-related conditions. ClinVar contains an entry for this variant (Variation ID: 2090176). Advanced modeling of protein sequence and biophysical properties (such as structural, functional, and spatial information, amino acid conservation, physicochemical variation, residue mobility, and thermodynamic stability) performed at Invitae indicates that this missense variant is not expected to disrupt SIK1 protein function with a negative predictive value of 95%. In summary, the available evidence is currently insufficient to determine the role of this variant in disease. Therefore, it has been classified as a Variant of Uncertain Significance.